The following is an entry in ClinVar:

NM_000053.4(ATP7B):c.2000T>A (p.Leu667Ter)

Gene: ATP7B (ATPase copper transporting beta; minus strand). Cytogenetic location: 13q14.3.
Variant type: single nucleotide variant.
Coding change: c.2000T>A on transcript NM_000053.4 (MANE Select); coding-DNA position 2000, T replaced by A.
Protein change: p.Leu667Ter; replaces leucine 667 with a stop codon.
Molecular consequence: nonsense. On other transcripts: intron variant (2).
Genome position (GRCh38, 1-based): chr13:51,960,269, A>T on the plus strand (T>A on the coding strand, the complement: ATP7B is on the minus strand). VCF-style: chr13-51960269-A-T. GRCh37 (hg19) VCF-style: chr13-52534405-A-T.
Other names: c.1667T>A, p.Leu556Ter (NM_001243182.2); c.2000T>A, p.Leu667Ter (NM_001330578.2); c.1870-2662T>A (NM_001005918.3); c.1870-1725T>A (NM_001330579.2); short protein forms L667*, L556*.
Identifiers: ClinVar variation 556353 (VCV000556353.6), dbSNP rs1474837260, ClinGen allele CA388025664.

ClinVar aggregate classification (germline): Pathogenic. Review status: criteria provided, multiple submitters, no conflicts (2 of 4 stars). 3 submissions from 3 submitters: Pathogenic (2). 1 of the submissions does not count toward it. Last evaluated 2025-09-18.

Conditions:
Wilson disease (WND). Also called: Wilson's disease. Identifiers: Orphanet 905, MedGen C0019202, MONDO:0010200, OMIM 277900. Disease mechanism: loss of function.

Allele frequency attached by ClinVar (database versions not stated): gnomAD exomes below 0.00001; gnomAD 0.00001.
gnomAD v4.1: 2 of 1,613,852 alleles (0.00012%); highest among the groups gnomAD compares: Non-Finnish European, 0.00017%; no homozygotes.

Submissions (3):

Color Diagnostics, LLC DBA Color Health
Classification: Pathogenic for Wilson disease. Last evaluated: 2025-09-18. Review status: criteria provided, single submitter. Criteria: ACMG Guidelines, 2015. Collection method: clinical testing. Allele origin: germline.
Comment: This variant changes 1 nucleotide in exon 7 of the ATP7B gene, creating a premature translation stop signal. This variant is expected to result in an absent or non-functional protein product. This variant has been reported in an individual affected with Wilson disease (PMID: 39933775). This variant has been identified in 1/31396 chromosomes in the general population by the Genome Aggregation Database (gnomAD). Loss of ATP7B function is a known mechanism of disease. Based on the available evidence, this variant is classified as Pathogenic.

Labcorp Genetics (formerly Invitae), Labcorp
Classification: Pathogenic for Wilson disease. Last evaluated: 2025-08-10. Review status: criteria provided, single submitter. Criteria: Invitae Variant Classification Sherloc (09022015). Collection method: clinical testing. Allele origin: germline.
Comment: This sequence change creates a premature translational stop signal (p.Leu667*) in the ATP7B gene. It is expected to result in an absent or disrupted protein product. Loss-of-function variants in ATP7B are known to be pathogenic (PMID: 10441329, 16283883). This variant is present in population databases (no rsID available, gnomAD 0.007%). This premature translational stop signal has been observed in individual(s) with Wilson disease (PMID: 20517649). ClinVar contains an entry for this variant (Variation ID: 556353). For these reasons, this variant has been classified as Pathogenic.

Counsyl
Classification: Likely pathogenic for Wilson disease. Last evaluated: 2018-01-26. Review status: no assertion criteria provided. Collection method: clinical testing. Allele origin: unknown. Not counted in ClinVar's aggregate classification.

Literature cited by the submitters: PubMed 39933775 (cited by Color Diagnostics, LLC DBA Color Health); PubMed 10441329 (cited by Labcorp Genetics (formerly Invitae), Labcorp); PubMed 16283883 (cited by Labcorp Genetics (formerly Invitae), Labcorp); PubMed 20517649 (cited by Labcorp Genetics (formerly Invitae), Labcorp and Counsyl); PubMed 25525159 (cited by Counsyl).